The following is an entry in ClinVar:

ClinVar aggregate classification (germline): Likely benign (1 of 4 stars; one submission).

gnomAD v4.1: 62 of 398,664 alleles (0.016%); highest among the groups gnomAD compares: Middle Eastern, 0.19%; no homozygotes.

Submission:

CeGaT Center for Human Genetics Tuebingen
Classification: Likely benign. Last evaluated: 2026-01-01. Review status: criteria provided, single submitter. Criteria: CeGaT Center For Human Genetics Tuebingen Variant Classification Criteria Version 2. Collection method: clinical testing. Allele origin: germline. Affected: yes. Observed: 1 variant allele.
Comment: KCNQ1OT1: BS2

NM_000218.3(KCNQ1):c.1514+26355C>T

Genes: KCNQ1 (potassium voltage-gated channel subfamily Q member 1; plus strand), KCNQ1OT1 (KCNQ1 opposite strand/antisense transcript 1; minus strand). Cytogenetic location: 11p15.5.
Variant type: single nucleotide variant.
Coding change: c.1514+26355C>T on transcript NM_000218.3 (MANE Select); 26355 bases into the intron after coding-DNA position 1514, C replaced by T.
Molecular consequence: intron variant. On other transcripts: non-coding transcript variant (1).
Genome position (GRCh38, 1-based): chr11:2,688,436, C>T. VCF-style: chr11-2688436-C-T. GRCh37 (hg19) VCF-style: chr11-2709666-C-T.
Other names: c.1244+26355C>T (NM_001406837.1); c.1418+26355C>T (NM_001406836.1); c.974+26355C>T (NM_001406838.1); c.1133+26355C>T (NM_181798.2).
Identifiers: ClinVar variation 4822308 (VCV004822308.4).
Genomic context (GRCh38, chr11:2,688,436, plus strand): 5'-GTTTCAATAACTGCCATCCTTTGCTGATCCTCTGTGTAGGCACTGGGCCCCAGCCCCTGC[C>T]TGTGCCATCACTATTTCACAGGAGAACACCACACTGAGGCTCTGCCTCTGGTTGCCCTGC-3'